The following is an entry in ClinVar:

NM_001363711.2(DUOX2):c.2148+1G>T

Gene: DUOX2 (dual oxidase 2; minus strand). Cytogenetic location: 15q21.1.
Variant type: single nucleotide variant.
Coding change: c.2148+1G>T on transcript NM_001363711.2 (MANE Select); the canonical splice donor site of the intron after coding-DNA position 2148, G replaced by T.
Molecular consequence: splice donor variant.
Genome position (GRCh38, 1-based): chr15:45,106,124, C>A on the plus strand (G>T on the coding strand, the complement: DUOX2 is on the minus strand). VCF-style: chr15-45106124-C-A. GRCh37 (hg19) VCF-style: chr15-45398322-C-A.
Other names: c.2148+1G>T (NM_014080.5).
Identifiers: ClinVar variation 2910375 (VCV002910375.5), dbSNP rs1566975448, ClinGen allele CA392272641.

ClinVar aggregate classification (germline): Likely pathogenic. Review status: criteria provided, multiple submitters, no conflicts (2 of 4 stars). 2 submissions from 2 submitters: Likely pathogenic (2). Last evaluated 2023-10-26.

Conditions:
Thyroid dyshormonogenesis 6 (TDH6). Also called: Genetic transient congenital hypothyroidism; HYPOTHYROIDISM, CONGENITAL, DUE TO DYSHORMONOGENESIS, 6; THYROID HORMONOGENESIS, GENETIC DEFECT IN, 6. Identifiers: Orphanet 226316, Orphanet 95716, MedGen C1846632, MONDO:0011792, OMIM 607200.

Allele frequency attached by ClinVar (database versions not stated): gnomAD exomes below 0.00001.
gnomAD v4.1: 1 of 1,614,160 alleles (0.000062%); highest among the groups gnomAD compares: East Asian, 0.0022%; no homozygotes.

Submissions (2):

Labcorp Genetics (formerly Invitae), Labcorp
Classification: Likely pathogenic. Last evaluated: 2023-10-26. Review status: criteria provided, single submitter. Criteria: Invitae Variant Classification Sherloc (09022015). Collection method: clinical testing. Allele origin: germline.
Comment: This sequence change affects a donor splice site in intron 17 of the DUOX2 gene. It is expected to disrupt RNA splicing. Variants that disrupt the donor or acceptor splice site typically lead to a loss of protein function (PMID: 16199547), and loss-of-function variants in DUOX2 are known to be pathogenic (PMID: 12110737, 18765513, 21565790, 24423310, 24735383). This variant is not present in population databases (gnomAD no frequency). Disruption of this splice site has been observed in individual(s) with thyroid dyshormonogenesis (PMID: 30154845). Algorithms developed to predict the effect of sequence changes on RNA splicing suggest that this variant may disrupt the consensus splice site. In summary, the currently available evidence indicates that the variant is pathogenic, but additional data are needed to prove that conclusively. Therefore, this variant has been classified as Likely Pathogenic.

Juno Genomics, Hangzhou Juno Genomics, Inc
Classification: Likely pathogenic for Thyroid dyshormonogenesis 6. Review status: criteria provided, single submitter. Criteria: ACMG Guidelines, 2015. Collection method: clinical testing. Allele origin: germline.
Comment: Null variant in a gene where loss of function (LOF) is a known mechanism of disease.;Absent from controls (or at extremely low frequency if recessive) in Genome Aggregation Database.

Literature cited by the submitters: PubMed 16199547 (cited by Labcorp Genetics (formerly Invitae), Labcorp); PubMed 12110737 (cited by Labcorp Genetics (formerly Invitae), Labcorp); PubMed 18765513 (cited by Labcorp Genetics (formerly Invitae), Labcorp); PubMed 21565790 (cited by Labcorp Genetics (formerly Invitae), Labcorp); PubMed 24423310 (cited by Labcorp Genetics (formerly Invitae), Labcorp); PubMed 24735383 (cited by Labcorp Genetics (formerly Invitae), Labcorp); PubMed 30154845 (cited by Labcorp Genetics (formerly Invitae), Labcorp).